The following is an entry in ClinVar:

ClinVar aggregate classification (germline): Uncertain significance (1 of 4 stars; one submission).

gnomAD v4.1: 2 of 1,610,984 alleles (0.00012%); highest among the groups gnomAD compares: Non-Finnish European, 0.00017%; no homozygotes.

Submission:

Labcorp Genetics (formerly Invitae), Labcorp
Classification: Uncertain significance. Last evaluated: 2020-12-20. Review status: criteria provided, single submitter. Criteria: Invitae Variant Classification Sherloc (09022015). Collection method: clinical testing. Allele origin: germline.
Comment: Algorithms developed to predict the effect of missense changes on protein structure and function are either unavailable or do not agree on the potential impact of this missense change (SIFT: "Tolerated"; PolyPhen-2: "Possibly Damaging"; Align-GVGD: "Class C0"). In summary, the available evidence is currently insufficient to determine the role of this variant in disease. Therefore, it has been classified as a Variant of Uncertain Significance. This variant has not been reported in the literature in individuals with PRKCSH-related conditions. This variant is not present in population databases (ExAC no frequency). This sequence change replaces lysine with asparagine at codon 196 of the PRKCSH protein (p.Lys196Asn). The lysine residue is moderately conserved and there is a moderate physicochemical difference between lysine and asparagine.

NM_001289104.2(PRKCSH):c.588G>T (p.Lys196Asn)

Gene: PRKCSH (PRKCSH beta subunit of glucosidase II; plus strand). Cytogenetic location: 19p13.2.
Variant type: single nucleotide variant.
Coding change: c.588G>T on transcript NM_001289104.2 (MANE Select); coding-DNA position 588, G replaced by T.
Protein change: p.Lys196Asn; replaces lysine 196 with asparagine.
Molecular consequence: missense variant.
Genome position (GRCh38, 1-based): chr19:11,442,505, G>T. VCF-style: chr19-11442505-G-T. GRCh37 (hg19) VCF-style: chr19-11553320-G-T.
Other names: c.588G>T, p.Lys196Asn (NM_001001329.3, NM_001289102.2, NM_001289103.2 and 3 more transcripts); short protein forms K196N.
Identifiers: ClinVar variation 1357950 (VCV001357950.8), dbSNP rs760381469, ClinGen allele CA404133651.
Genomic context (GRCh38, chr19:11,442,505, plus strand): 5'-GCGGACAGTGAAGGAGGAAGCTGAGAAGCCAGAGAGAGAGGCCAAAGAGCAGCACCAGAA[G>T]CTGTGGGAAGGTATGGCAGAAATGGCCAAGGACTCACCTTCAGTCCTGGGTGGGAGCAGG-3'
Protein context (NP_001276033.1, residues 186-206): PEREAKEQHQ[Lys196Asn]LWEEQLAAAK